The following is an entry in ClinVar:

NM_004171.4(SLC1A2):c.1697A>G (p.Glu566Gly)

Gene: SLC1A2 (solute carrier family 1 member 2; minus strand). Cytogenetic location: 11p13.
Variant type: single nucleotide variant.
Coding change: c.1697A>G on transcript NM_004171.4 (MANE Select); coding-DNA position 1697, A replaced by G.
Protein change: p.Glu566Gly; replaces glutamic acid 566 with glycine.
Molecular consequence: missense variant.
Genome position (GRCh38, 1-based): chr11:35,260,922, T>C on the plus strand (A>G on the coding strand, the complement: SLC1A2 is on the minus strand). VCF-style: chr11-35260922-T-C. GRCh37 (hg19) VCF-style: chr11-35282469-T-C.
Other names: c.1670A>G, p.Glu557Gly (NM_001195728.3, NM_001252652.2); short protein forms E557G, E566G.
Identifiers: ClinVar variation 3602446 (VCV003602446.1).

ClinVar aggregate classification (germline): Uncertain significance (1 of 4 stars; one submission).

Submission:

GeneDx
Classification: Uncertain significance. Last evaluated: 2024-07-30. Review status: criteria provided, single submitter. Criteria: GeneDx Variant Classification Process June 2021. Collection method: clinical testing. Allele origin: germline. Affected: yes.
Comment: Not observed at significant frequency in large population cohorts (gnomAD); In silico analysis indicates that this missense variant does not alter protein structure/function; Has not been previously published as pathogenic or benign to our knowledge